The following is an entry in ClinVar:

NM_001377.3(DYNC2H1):c.7630del (p.Glu2544fs)

Gene: DYNC2H1 (dynein cytoplasmic 2 heavy chain 1; plus strand). Cytogenetic location: 11q22.3.
Variant type: Deletion.
Coding change: c.7630del on transcript NM_001377.3 (MANE Select); coding-DNA position 7630, one base deleted (G; older notation c.7630delG).
Protein change: p.Glu2544fs; shifts the reading frame from glutamic acid 2544.
Molecular consequence: frameshift variant.
Genome position (GRCh38, 1-based): chr11:103,192,186, G deleted; the last of 2 consecutive G bases (chr11:103,192,185-103,192,186); deleting either gives the same sequence. VCF-style (leftmost placement, unchanged base first): chr11-103192184-AG-A. GRCh37 (hg19) VCF-style: chr11-103062913-AG-A.
Other names: c.7630del, p.Glu2544fs (NM_001080463.2); short protein forms E2544fs.
Identifiers: ClinVar variation 2819998 (VCV002819998.3), dbSNP rs2496318039, ClinGen allele CA2739270850.
Genomic context (GRCh38, chr11:103,192,184, plus strand): 5'-TGTTAGAAATTGTAGCATATGAGGCACGGCGCTTATTTCGTGACAAAATTGTTGGTGCAA[AG>A]GAACTTCATTTATTTGACATCATTTTAACATCAGTGTTTCAAGGAGATTGGGGCTCAGAC-3'

ClinVar aggregate classification (germline): Pathogenic (1 of 4 stars; one submission).

Conditions:
Jeune thoracic dystrophy. Also called: Jeune syndrome; Infantile thoracic dystrophy; Thoracic pelvic phalangeal dystrophy; Jeune's syndrome; Chondroectodermal dysplasia-like syndrome; Short-rib thoracic dysplasia. Identifiers: Orphanet 474, MedGen C0265275, MONDO:0018770.

Submission:

Labcorp Genetics (formerly Invitae), Labcorp
Classification: Pathogenic for Jeune thoracic dystrophy. Last evaluated: 2022-12-10. Review status: criteria provided, single submitter. Criteria: Invitae Variant Classification Sherloc (09022015). Collection method: clinical testing. Allele origin: germline.
Comment: For these reasons, this variant has been classified as Pathogenic. This variant has not been reported in the literature in individuals affected with DYNC2H1-related conditions. This variant is not present in population databases (gnomAD no frequency). This sequence change creates a premature translational stop signal (p.Glu2544Asnfs*9) in the DYNC2H1 gene. It is expected to result in an absent or disrupted protein product. Loss-of-function variants in DYNC2H1 are known to be pathogenic (PMID: 23339108, 32753734).

Literature cited by the submitters: PubMed 23339108; PubMed 32753734.